The following is an entry in ClinVar:

NM_000038.6(APC):c.4758G>A (p.Lys1586=)

Gene: APC (APC regulator of Wnt signaling pathway; plus strand). Cytogenetic location: 5q22.2.
Variant type: single nucleotide variant.
Coding change: c.4758G>A on transcript NM_000038.6 (MANE Select); coding-DNA position 4758, G replaced by A.
Protein change: p.Lys1586=; no amino-acid change (lysine 1586 retained).
Molecular consequence: synonymous variant.
Genome position (GRCh38, 1-based): chr5:112,840,352, G>A. VCF-style: chr5-112840352-G-A. GRCh37 (hg19) VCF-style: chr5-112176049-G-A.
Other names: c.4758G>A, p.Lys1586= (NM_001127510.3, NM_001354895.2); c.4704G>A, p.Lys1568= (NM_001127511.3); c.4812G>A, p.Lys1604= (NM_001354896.2); c.4788G>A, p.Lys1596= (NM_001354897.2); c.4683G>A, p.Lys1561= (NM_001354898.2); c.4674G>A, p.Lys1558= (NM_001354899.2); c.4635G>A, p.Lys1545= (NM_001354900.2); c.4581G>A, p.Lys1527= (NM_001354901.2); and 5 more.
Identifiers: ClinVar variation 416756 (VCV000416756.47), dbSNP rs1060504890, ClinGen allele CA16611656.

ClinVar aggregate classification (germline): Benign/Likely benign. Review status: criteria provided, multiple submitters, no conflicts (2 of 4 stars). 10 submissions from 10 submitters: Benign (1); Likely benign (9). Last evaluated 2025-11-02.

Conditions:
Classic or attenuated familial adenomatous polyposis. Identifiers: MedGen CN372698, MONDO:0021057.
Hereditary cancer-predisposing syndrome. Also called: Tumor predisposition; Hereditary neoplastic syndrome; Hereditary Cancer Syndrome; Neoplastic Syndromes, Hereditary. Identifiers: Orphanet 140162, MedGen C0027672, MeSH D009386, MONDO:0015356.
Familial adenomatous polyposis 1 (FAP1). Also called: FAMILIAL ADENOMATOUS POLYPOSIS 1, ATTENUATED; POLYPOSIS, ADENOMATOUS INTESTINAL. Identifiers: MedGen C2713442, MONDO:0021056, OMIM 175100. Disease mechanism: loss of function.

Allele frequency attached by ClinVar (database versions not stated): gnomAD exomes below 0.00001 and 0.00001.
gnomAD v4.1: 5 of 1,614,168 alleles (0.00031%); highest among the groups gnomAD compares: Non-Finnish European, 0.00042%; no homozygotes.

Submissions (10):

Labcorp Genetics (formerly Invitae), Labcorp
Classification: Likely benign for Familial adenomatous polyposis 1. Last evaluated: 2025-11-02. Review status: criteria provided, single submitter. Criteria: Invitae Variant Classification Sherloc (09022015). Collection method: clinical testing. Allele origin: germline.

Center for Genomic Medicine, Rigshospitalet, Copenhagen University Hospital
Classification: Likely benign. Last evaluated: 2025-03-04. Review status: criteria provided, single submitter. Criteria: ACMG Guidelines, 2015. Collection method: clinical testing. Allele origin: germline.

Molecular Pathology, Peter Maccallum Cancer Centre
Classification: Likely benign for Familial adenomatous polyposis 1. Last evaluated: 2024-06-23. Review status: criteria provided, single submitter. Criteria: ACMG Guidelines, 2015. Collection method: clinical testing. Allele origin: germline. Inheritance: Autosomal dominant inheritance.

Myriad Genetics, Inc.
Classification: Benign for Familial adenomatous polyposis 1. Last evaluated: 2024-03-27. Review status: criteria provided, single submitter. Criteria: Myriad Autosomal Dominant, Autosomal Recessive and X-Linked Classification Criteria (2023). Collection method: clinical testing. Allele origin: unknown.
Comment: This variant is considered benign. This variant is a silent/synonymous amino acid change and it is not expected to impact splicing.

CeGaT Center for Human Genetics Tuebingen
Classification: Likely benign. Last evaluated: 2024-01-01. Review status: criteria provided, single submitter. Criteria: CeGaT Center For Human Genetics Tuebingen Variant Classification Criteria Version 2. Collection method: clinical testing. Allele origin: germline. Affected: yes. Observed: 1 variant allele.
Comment: APC: BP4, BP7

All of Us Research Program, National Institutes of Health
Classification: Likely benign for Classic or attenuated familial adenomatous polyposis. Last evaluated: 2023-06-08. Review status: criteria provided, single submitter. Criteria: ACMG Guidelines, 2015. Collection method: clinical testing. Allele origin: germline. Inheritance: Autosomal dominant inheritance. Observed: 1 variant allele, 1 heterozygote.
Comment: This study involves interpretation of variants in research participants for the purpose of population health screening. Participant phenotype was not available at the time of variant classification. Additional details can be found in publication PMID: 35346344, PMCID: PMC8962531

Sema4
Classification: Likely benign for Hereditary cancer-predisposing syndrome. Last evaluated: 2020-11-09. Review status: criteria provided, single submitter. Criteria: Sema4 Curation Guidelines. Collection method: curation. Allele origin: germline.

GeneDx
Classification: Likely benign. Last evaluated: 2018-01-23. Review status: criteria provided, single submitter. Criteria: GeneDx Variant Classification (06012015). Collection method: clinical testing. Allele origin: germline. Affected: yes.
Comment: This variant is considered likely benign or benign based on one or more of the following criteria: it is a conservative change, it occurs at a poorly conserved position in the protein, it is predicted to be benign by multiple in silico algorithms, and/or has population frequency not consistent with disease.

Color Diagnostics, LLC DBA Color Health
Classification: Likely benign for Hereditary cancer-predisposing syndrome. Last evaluated: 2016-08-12. Review status: criteria provided, single submitter. Criteria: ACMG Guidelines, 2015. Collection method: clinical testing. Allele origin: germline.

Ambry Genetics
Classification: Likely benign for Hereditary cancer-predisposing syndrome. Last evaluated: 2016-01-07. Review status: criteria provided, single submitter. Criteria: Ambry Variant Classification Scheme 2023. Collection method: clinical testing. Allele origin: germline.